The following is an entry in ClinVar:

ClinVar aggregate classification (germline): Conflicting classifications of pathogenicity. Review status: criteria provided, conflicting classifications (1 of 4 stars). 9 submissions from 9 submitters: Likely pathogenic (1); Uncertain significance (7); Likely benign (1). Last evaluated 2025-10-15.

Conditions:
TTN-related disorder. Also called: TTN-related condition; TTN-related disease; TTN-related disorders.
Cardiovascular phenotype. Identifiers: MedGen CN230736.
Dilated cardiomyopathy 1G (CMD1G). Identifiers: Orphanet 154, MedGen C1858763, MONDO:0011400, OMIM 604145.
Autosomal recessive limb-girdle muscular dystrophy type 2J (LGMDR10). Also called: Limb-girdle muscular dystrophy, type 2J; MUSCULAR DYSTROPHY, LIMB-GIRDLE, AUTOSOMAL RECESSIVE 10. Identifiers: Orphanet 140922, MedGen C1837342, MONDO:0012127, OMIM 608807.
Tibial muscular dystrophy (TMD). Also called: Udd Distal Myopathy – Tibial Muscular Dystrophy; UDD MYOPATHY; Tibial muscular dystrophy, tardive. Identifiers: Orphanet 609, MedGen C1838244, MONDO:0010870, OMIM 600334.
Myopathy, myofibrillar, 9, with early respiratory failure (MFM9). Also called: Hereditary myopathy with early respiratory failure; EDSTROM MYOPATHY; MYOPATHY, PROXIMAL, WITH EARLY RESPIRATORY MUSCLE INVOLVEMENT; Myopathy, distal, with early respiratory failure, autosomal dominant. Identifiers: Orphanet 178464, Orphanet 34521, MedGen C1863599, MONDO:0011362, OMIM 603689.
Hypertrophic cardiomyopathy 9. Also called: Familial hypertrophic cardiomyopathy 9. Identifiers: MedGen C1861065, MONDO:0013412, OMIM 613765.
Early-onset myopathy with fatal cardiomyopathy (CMYO5). Also called: CONGENITAL MYOPATHY 5 WITH CARDIOMYOPATHY; Salih Myopathy. Identifiers: Orphanet 289377, MedGen C2673677, MONDO:0012714, OMIM 611705. Disease mechanism: loss of function.

Allele frequency attached by ClinVar (database versions not stated): ExAC 0.00005; TOPMed 0.00005; gnomAD 0.00008; gnomAD exomes 0.00008 and 0.00009; ESP Exome Variant Server 0.00015.
gnomAD v4.1: 138 of 1,614,084 alleles (0.0085%); highest among the groups gnomAD compares: Middle Eastern, 0.033%; no homozygotes.

Submissions (9):

PreventionGenetics, part of Exact Sciences
Classification: Uncertain significance for TTN-related condition. Last evaluated: 2025-10-15. Review status: criteria provided, single submitter. Criteria: ACMG Guidelines, 2015. Collection method: clinical testing. Allele origin: germline.
Comment: The TTN c.6959G>A variant is predicted to result in the amino acid substitution p.Arg2320His. To our knowledge, this variant has not been reported in the literature. This variant is reported in 0.014% of alleles in individuals of European (Non-Finnish) descent in gnomAD. At this time, the clinical significance of this variant is uncertain due to the absence of conclusive functional and genetic evidence.

Women's Health and Genetics/Laboratory Corporation of America, LabCorp
Classification: Uncertain significance. Last evaluated: 2025-10-13. Review status: criteria provided, single submitter. Criteria: LabCorp Variant Classification Summary - May 2015. Collection method: clinical testing. Allele origin: germline.

Blueprint Genetics
Classification: Likely benign. Last evaluated: 2024-04-03. Review status: criteria provided, single submitter. Criteria: ACMG Guidelines, 2015. Collection method: clinical testing. Allele origin: germline.

Revvity Omics, Revvity
Classification: Uncertain significance. Last evaluated: 2024-03-18. Review status: criteria provided, single submitter. Criteria: ACMG Guidelines, 2015. Collection method: clinical testing. Allele origin: germline.

Fulgent Genetics
Classification: Uncertain significance for Tibial muscular dystrophy; Myopathy, myofibrillar, 9, with early respiratory failure; Dilated cardiomyopathy 1G; Autosomal recessive limb-girdle muscular dystrophy type 2J; Early-onset myopathy with fatal cardiomyopathy; Hypertrophic cardiomyopathy 9. Last evaluated: 2021-11-05. Review status: criteria provided, single submitter. Criteria: ACMG Guidelines, 2015. Collection method: clinical testing. Allele origin: unknown.

Ambry Genetics
Classification: Uncertain significance for Cardiovascular phenotype. Last evaluated: 2019-07-30. Review status: criteria provided, single submitter. Criteria: Ambry Variant Classification Scheme 2023. Collection method: clinical testing. Allele origin: germline.
Comment: The p.R2274H variant (also known as c.6821G>A), located in coding exon 28 of the TTN gene, results from a G to A substitution at nucleotide position 6821. The arginine at codon 2274 is replaced by histidine, an amino acid with highly similar properties. This amino acid position is highly conserved in available vertebrate species. In addition, the in silico prediction for this alteration is inconclusive. Since supporting evidence is limited at this time, the clinical significance of this alteration remains unclear.

Labcorp Genetics (formerly Invitae), Labcorp
Classification: Uncertain significance for Dilated cardiomyopathy 1G; Autosomal recessive limb-girdle muscular dystrophy type 2J. Last evaluated: 2017-05-23. Review status: criteria provided, single submitter. Criteria: Invitae Variant Classification Sherloc (09022015). Collection method: clinical testing. Allele origin: germline.

Institute of Human Genetics, University of Leipzig Medical Center
Classification: Uncertain significance for Dilated cardiomyopathy 1G. Last evaluated: 2017-02-17. Review status: criteria provided, single submitter. Criteria: ACMG Guidelines, 2015. Collection method: clinical testing. Allele origin: germline. Affected: yes. Observed: 1 variant allele.

Genomic Medicine Center of Excellence, King Faisal Specialist Hospital and Research Centre
Classification: Likely pathogenic. Review status: criteria provided, single submitter. Criteria: ACMG Guidelines, 2015. Collection method: research. Allele origin: germline. Affected: yes.

NM_001267550.2(TTN):c.6959G>A (p.Arg2320His)

Genes: TTN (titin; minus strand), LOC126806433 (BRD4-independent group 4 enhancer GRCh37_chr2:179638309-179639508; plus strand). Cytogenetic location: 2q31.2.
Variant type: single nucleotide variant.
Coding change: c.6959G>A on transcript NM_001267550.2 (MANE Select); coding-DNA position 6959, G replaced by A.
Protein change: p.Arg2320His; replaces arginine 2320 with histidine.
Molecular consequence: missense variant.
Genome position (GRCh38, 1-based): chr2:178,774,305, C>T on the plus strand (G>A on the coding strand, the complement: TTN is on the minus strand). VCF-style: chr2-178774305-C-T. GRCh37 (hg19) VCF-style: chr2-179639032-C-T.
Other names: c.6959G>A, p.Arg2320His (NM_001256850.1, NM_133378.4, NM_133379.5); c.6821G>A, p.Arg2274His (NM_003319.4, NM_133432.3, NM_133437.4); short protein forms R2320H, R2274H.
Identifiers: ClinVar variation 191143 (VCV000191143.13), dbSNP rs374615369, ClinGen allele CA236104.
Genomic context (GRCh38, chr2:178,774,305, plus strand): 5'-ATGACAAAGCTGTATTCTCCCTGGTCCTCCTTGGTTACATCCTTGACCGTGAGGTTCTGA[C>T]GTCCACGACGAGATGTAATTGTATATTTGCCATTGGATTTAAGCTCCACATCATTATGAT-3'
Protein context (NP_001254479.2, residues 2310-2330): GKYTITSRRG[Arg2320His]QNLTVKDVTK